The following is an entry in ClinVar:

NM_015100.4(POGZ):c.151_153delinsTTC (p.Ala51Phe)

Gene: POGZ (pogo transposable element derived with ZNF domain; minus strand). Cytogenetic location: 1q21.3.
Variant type: Indel.
Coding change: c.151_153delinsTTC on transcript NM_015100.4 (MANE Select); coding-DNA positions 151 to 153, GCT replaced by TTC.
Protein change: p.Ala51Phe; replaces alanine 51 with phenylalanine.
Molecular consequence: missense variant. On other transcripts: intron variant (2).
Genome position (GRCh38, 1-based): chr1:151,441,058-151,441,060, AGC replaced by GAA on the plus strand (GCT replaced by TTC on the coding strand, the reverse complement: POGZ is on the minus strand). VCF-style: chr1-151441058-AGC-GAA. GRCh37 (hg19) VCF-style: chr1-151413534-AGC-GAA.
Other names: c.151_153delinsTTC, p.Ala51Phe (NM_001194937.2, NM_145796.4); c.172_174delinsTTC, p.Ala58Phe (NM_001410860.1); c.124+1021_124+1023delinsTTC (NM_001194938.2, NM_207171.2); short protein forms A51F, A58F.
Identifiers: ClinVar variation 3367235 (VCV003367235.1).
Genomic context (GRCh38, chr1:151,441,058, plus strand): 5'-AACGGTGGTGGATGTAGAGAGGTGCCCAGCAACAGAAGCATGGGCAGCGATGGGCACTGG[AGC>GAA]CGAGACTGGCTGCTGGCTCACAGAAACTGTGGGGAAGGGGAGGCATAGTCACTTGGAGAC-3'
Protein context (NP_055915.2, residues 41-61): TVSVSQQPVS[Ala51Phe]PVPIAAHASV

ClinVar aggregate classification (germline): Uncertain significance (1 of 4 stars; one submission).

Submission:

GeneDx
Classification: Uncertain significance. Last evaluated: 2023-12-26. Review status: criteria provided, single submitter. Criteria: GeneDx Variant Classification Process June 2021. Collection method: clinical testing. Allele origin: germline. Affected: yes.
Comment: Not observed at significant frequency in large population cohorts (gnomAD); In silico analysis supports that this variant does not alter protein structure/function; Has not been previously published as pathogenic or benign to our knowledge